The following is an entry in ClinVar:

ClinVar aggregate classification (germline): Uncertain significance. Review status: criteria provided, single submitter (1 of 4 stars). 2 submissions from 2 submitters: Uncertain significance (1). 1 of the submissions does not count toward it. Last evaluated 2023-07-17.

Conditions:
Alstrom syndrome (ALMS). Identifiers: Orphanet 64, MedGen C0268425, MONDO:0008763, OMIM 203800.

Submissions (2):

Labcorp Genetics (formerly Invitae), Labcorp
Classification: Uncertain significance for Alstrom syndrome. Last evaluated: 2023-07-17. Review status: criteria provided, single submitter. Criteria: Invitae Variant Classification Sherloc (09022015). Collection method: clinical testing. Allele origin: germline.
Comment: This sequence change replaces serine, which is neutral and polar, with proline, which is neutral and non-polar, at codon 1099 of the ALMS1 protein (p.Ser1099Pro). This variant is not present in population databases (gnomAD no frequency). This variant has not been reported in the literature in individuals affected with ALMS1-related conditions. ClinVar contains an entry for this variant (Variation ID: 529385). Algorithms developed to predict the effect of missense changes on protein structure and function output the following: SIFT: "Not Available"; PolyPhen-2: "Not Available"; Align-GVGD: "Not Available". The proline amino acid residue is found in multiple mammalian species, which suggests that this missense change does not adversely affect protein function. In summary, the available evidence is currently insufficient to determine the role of this variant in disease. Therefore, it has been classified as a Variant of Uncertain Significance.

Natera, Inc.
Classification: Uncertain significance for Alstrom syndrome. Last evaluated: 2025-03-13. Review status: no assertion criteria provided. Collection method: clinical testing. Allele origin: germline. Not counted in ClinVar's aggregate classification.

NM_001378454.1(ALMS1):c.3292T>C (p.Ser1098Pro)

Gene: ALMS1 (ALMS1 centrosome and basal body associated protein; plus strand). Cytogenetic location: 2p13.1.
Variant type: single nucleotide variant.
Coding change: c.3292T>C on transcript NM_001378454.1 (MANE Select); coding-DNA position 3292, T replaced by C.
Protein change: p.Ser1098Pro; replaces serine 1098 with proline.
Molecular consequence: missense variant.
Genome position (GRCh38, 1-based): chr2:73,449,819, T>C. VCF-style: chr2-73449819-T-C. GRCh37 (hg19) VCF-style: chr2-73676946-T-C.
Other names: c.3295T>C, p.Ser1099Pro (NM_015120.4); short protein forms S1099P, S1098P.
Identifiers: ClinVar variation 529385 (VCV000529385.8), dbSNP rs1553403651, ClinGen allele CA347274876.